The following is an entry in ClinVar:

ClinVar aggregate classification (germline): Pathogenic (1 of 4 stars; one submission).

Conditions:
Propionic acidemia (PROP). Also called: GLYCINEMIA, KETOTIC; HYPERGLYCINEMIA WITH KETOACIDOSIS AND LEUKOPENIA; KETOTIC HYPERGLYCINEMIA. Identifiers: Orphanet 35, MedGen C0268579, MONDO:0011628, OMIM 606054, HP:0003571.

Submission:

3billion
Classification: Pathogenic for Propionic acidemia. Last evaluated: 2025-02-17. Review status: criteria provided, single submitter. Criteria: ACMG Guidelines, 2015. Collection method: clinical testing. Allele origin: germline. Affected: yes.
Comment: The variant is not observed in the gnomAD v4.1.0 dataset. Predicted Consequence/Location: Frameshift: predicted to result in a loss or disruption of normal protein function through nonsense-mediated decay (NMD) or protein truncation. Multiple pathogenic variants are reported downstream of the variant. Therefore, this variant is classified as Pathogenic according to the recommendation of ACMG/AMP guideline.

NM_000282.4(PCCA):c.21dup (p.Thr8fs)

Gene: PCCA (propionyl-CoA carboxylase subunit alpha; plus strand). Cytogenetic location: 13q32.3.
Variant type: Duplication.
Coding change: c.21dup on transcript NM_000282.4 (MANE Select); coding-DNA position 21, one base duplicated (G; older notation c.21dupG).
Protein change: p.Thr8fs; shifts the reading frame from threonine 8.
Molecular consequence: frameshift variant. On other transcripts: 5 prime UTR variant (3), non-coding transcript variant (5).
Genome position (GRCh38, 1-based): chr13:100,089,141, G duplicated; the last of 3 consecutive G bases (chr13:100,089,139-100,089,141); duplicating any one gives the same sequence. VCF-style (leftmost placement, unchanged base first): chr13-100089138-C-CG. GRCh37 (hg19) VCF-style: chr13-100741392-C-CG.
Other names: c.21dup, p.Thr8fs (NM_001127692.3, NM_001178004.2, NM_001352605.2 and 4 more transcripts); c.-846dup (NM_001352610.2, NM_001352611.2, NM_001352612.2); short protein forms T8fs.
Identifiers: ClinVar variation 4292078 (VCV004292078.1).